The following is an entry in ClinVar:

ClinVar aggregate classification (germline): Pathogenic/Likely pathogenic. Review status: criteria provided, multiple submitters, no conflicts (2 of 4 stars). 2 submissions from 2 submitters: Pathogenic (1); Likely pathogenic (1). Last evaluated 2022-02-24.

Conditions:
Mucopolysaccharidosis type 6 (MPS6). Also called: N-ACETYLGALACTOSAMINE-4-SULFATASE DEFICIENCY; MPS VI; MPS 6; Maroteaux Lamy syndrome; ARSB DEFICIENCY; ARYLSULFATASE B DEFICIENCY. Identifiers: Orphanet 583, MedGen C0026709, MONDO:0009661, OMIM 253200.

Submissions (2):

Labcorp Genetics (formerly Invitae), Labcorp
Classification: Pathogenic for Mucopolysaccharidosis type 6. Last evaluated: 2022-02-24. Review status: criteria provided, single submitter. Criteria: Invitae Variant Classification Sherloc (09022015). Collection method: clinical testing. Allele origin: germline.
Comment: This sequence change affects a donor splice site in intron 5 of the ARSB gene. RNA analysis indicates that disruption of this splice site induces altered splicing and may result in an absent or disrupted protein product. This variant is not present in population databases (gnomAD no frequency). Disruption of this splice site has been observed in individual(s) with mucopolysaccharidosis type VI (PMID: 17643332). ClinVar contains an entry for this variant (Variation ID: 559679). Studies have shown that disruption of this splice site results in skipping of exon 5 and introduces a premature termination codon (PMID: 17643332). The resulting mRNA is expected to undergo nonsense-mediated decay. For these reasons, this variant has been classified as Pathogenic.

Laboratory of Diagnosis and Therapy of Lysosomal Disorders, University of Padova
Classification: Likely pathogenic for Mucopolysaccharidosis type 6. Last evaluated: 2018-01-01. Review status: criteria provided, single submitter. Criteria: ACMG Guidelines, 2015. Collection method: curation. Allele origin: germline. Affected: yes.
Comment: Splicing variant in canonical site (PVS1); Absent from GnomAD (PM2)

Literature cited by the submitters: PubMed 17643332 (cited by Labcorp Genetics (formerly Invitae), Labcorp and Laboratory of Diagnosis and Therapy of Lysosomal Disorders, University of Padova); PubMed 30118150 (cited by Laboratory of Diagnosis and Therapy of Lysosomal Disorders, University of Padova).

NM_000046.5(ARSB):c.1142+2T>A

Gene: ARSB (arylsulfatase B; minus strand). Cytogenetic location: 5q14.1.
Variant type: single nucleotide variant.
Coding change: c.1142+2T>A on transcript NM_000046.5 (MANE Select); the canonical splice donor site of the intron after coding-DNA position 1142, T replaced by A.
Molecular consequence: splice donor variant.
Genome position (GRCh38, 1-based): chr5:78,885,582, A>T on the plus strand (T>A on the coding strand, the complement: ARSB is on the minus strand). VCF-style: chr5-78885582-A-T. GRCh37 (hg19) VCF-style: chr5-78181405-A-T.
Other names: c.1142+2T>A (NM_198709.3).
Identifiers: ClinVar variation 559679 (VCV000559679.6), dbSNP rs781510986, ClinGen allele CA360342686.